The following is an entry in ClinVar:

NM_000821.7(GGCX):c.1492C>T (p.Arg498Cys)

Gene: GGCX (gamma-glutamyl carboxylase; minus strand). Cytogenetic location: 2p11.2.
Variant type: single nucleotide variant.
Coding change: c.1492C>T on transcript NM_000821.7 (MANE Select); coding-DNA position 1492, C replaced by T.
Protein change: p.Arg498Cys; replaces arginine 498 with cysteine.
Molecular consequence: missense variant.
Genome position (GRCh38, 1-based): chr2:85,551,929, G>A on the plus strand (C>T on the coding strand, the complement: GGCX is on the minus strand). VCF-style: chr2-85551929-G-A. GRCh37 (hg19) VCF-style: chr2-85779052-G-A.
Other names: c.1321C>T, p.Arg441Cys (NM_001142269.4); short protein forms R498C, R441C.
Identifiers: ClinVar variation 337264 (VCV000337264.10), dbSNP rs372161185, ClinGen allele CA1741796.
Genomic context (GRCh38, chr2:85,551,929, plus strand): 5'-CCTGTAACTTGGCCCTCCAGGGAGACAGGTCCATCAAGAGTGGTTGCACCCAGGATGTGC[G>A]CTGAAAGGGTGACCAAGCGGCCTGCACGATGTCCACACGAGGGTCAAAAATCCTTAGGAA-3'
Protein context (NP_000812.2, residues 488-508): IVQAAWSPFQ[Arg498Cys]TSWVQPLLMD

ClinVar aggregate classification (germline): Uncertain significance. Review status: criteria provided, multiple submitters, no conflicts (2 of 4 stars). 3 submissions from 3 submitters: Uncertain significance (3). Last evaluated 2024-04-22.

Conditions:
Vitamin K-dependent clotting factors, combined deficiency of, type 1. Also called: FACTORS II, VII, IX, AND X, COMBINED DEFICIENCY OF; FAMILIAL MULTIPLE COAGULATION FACTOR DEFICIENCY III; FMFD III; GLUTAMIC ACID, DEFICIENT GAMMA-CARBOXYLATION OF; MULTIPLE COAGULATION FACTOR DEFICIENCY III; VITAMIN K-DEPENDENT COAGULATION DEFECT. Identifiers: Orphanet 98434, MedGen C1848534, MONDO:0010187, OMIM 277450.

Allele frequency attached by ClinVar (database versions not stated): gnomAD 0.00005; gnomAD exomes 0.00005 and 0.00008; ExAC 0.00007; ESP Exome Variant Server 0.00008; TOPMed 0.00008.

Submissions (3):

Blueprint Genetics
Classification: Uncertain significance. Last evaluated: 2024-04-22. Review status: criteria provided, single submitter. Criteria: ACMG Guidelines, 2015. Collection method: clinical testing. Allele origin: germline.

Labcorp Genetics (formerly Invitae), Labcorp
Classification: Uncertain significance. Last evaluated: 2021-12-30. Review status: criteria provided, single submitter. Criteria: Invitae Variant Classification Sherloc (09022015). Collection method: clinical testing. Allele origin: germline.
Comment: This sequence change replaces arginine, which is basic and polar, with cysteine, which is neutral and slightly polar, at codon 498 of the GGCX protein (p.Arg498Cys). This variant is present in population databases (rs372161185, gnomAD 0.02%). This missense change has been observed in individual(s) with clinical features of pseudoxanthoma elasticum (PMID: 25264593). ClinVar contains an entry for this variant (Variation ID: 337264). Algorithms developed to predict the effect of missense changes on protein structure and function are either unavailable or do not agree on the potential impact of this missense change (SIFT: "Tolerated"; PolyPhen-2: "Possibly Damaging"; Align-GVGD: "Class C15"). In summary, the available evidence is currently insufficient to determine the role of this variant in disease. Therefore, it has been classified as a Variant of Uncertain Significance.

Illumina Laboratory Services, Illumina
Classification: Uncertain significance for Vitamin K-dependent clotting factors, combined deficiency of, type 1. Last evaluated: 2018-01-13. Review status: criteria provided, single submitter. Criteria: ICSL Variant Classification Criteria 13 December 2019. Collection method: clinical testing. Allele origin: germline.

Literature cited by the submitters: PubMed 25264593 (cited by Labcorp Genetics (formerly Invitae), Labcorp).